The following is an entry in ClinVar:

NM_003924.4(PHOX2B):c.933C>G (p.Ser311Arg)

Gene: PHOX2B (paired like homeobox 2B; minus strand). Cytogenetic location: 4p13.
Variant type: single nucleotide variant.
Coding change: c.933C>G on transcript NM_003924.4 (MANE Select); coding-DNA position 933, C replaced by G.
Protein change: p.Ser311Arg; replaces serine 311 with arginine.
Molecular consequence: missense variant.
Genome position (GRCh38, 1-based): chr4:41,745,819, G>C on the plus strand (C>G on the coding strand, the complement: PHOX2B is on the minus strand). VCF-style: chr4-41745819-G-C. GRCh37 (hg19) VCF-style: chr4-41747836-G-C.
Other names: short protein forms S311R.
Identifiers: ClinVar variation 2894864 (VCV002894864.3), dbSNP rs2153112725, ClinGen allele CA356736658.

ClinVar aggregate classification (germline): Uncertain significance (1 of 4 stars; one submission).

Conditions:
Haddad syndrome (OHD). Also called: Ondine-Hirschsprung disease. Identifiers: Orphanet 99803, MedGen C1859049, MONDO:0020493.

Submission:

Labcorp Genetics (formerly Invitae), Labcorp
Classification: Uncertain significance for Haddad syndrome. Last evaluated: 2023-05-01. Review status: criteria provided, single submitter. Criteria: Invitae Variant Classification Sherloc (09022015). Collection method: clinical testing. Allele origin: germline.
Comment: In summary, the available evidence is currently insufficient to determine the role of this variant in disease. Therefore, it has been classified as a Variant of Uncertain Significance. Experimental studies and prediction algorithms are not available or were not evaluated, and the functional significance of this variant is currently unknown. This variant has not been reported in the literature in individuals affected with PHOX2B-related conditions. This variant is not present in population databases (gnomAD no frequency). This sequence change replaces serine, which is neutral and polar, with arginine, which is basic and polar, at codon 311 of the PHOX2B protein (p.Ser311Arg).